The following is an entry in ClinVar:

NM_001127208.3(TET2):c.6002_*30del (p.Arg2000_Tyr2001insTer)

Genes: TET2 (tet methylcytosine dioxygenase 2; plus strand), TET2-AS1 (TET2 antisense RNA 1; minus strand). Cytogenetic location: 4q24.
Variant type: Deletion.
Coding change: c.6002_*30del on transcript NM_001127208.3 (MANE Select); coding-DNA position 6002 through 30 bases downstream of the stop codon, 38 bases deleted.
Protein change: p.Arg2000_Tyr2001insTer.
Molecular consequence: nonsense.
Genome position (GRCh38, 1-based): chr4:105,276,512-105,276,549, 38 bases deleted; deleting any 38 consecutive bases within chr4:105,276,511-105,276,549 gives the same sequence; the c. name uses the placement nearest the transcript's 3' end. GRCh37 (hg19): chr4:106,197,669-106,197,706.
Identifiers: ClinVar variation 1318499 (VCV001318499.2), dbSNP rs2110317175, ClinGen allele CA2573052276.

ClinVar aggregate classification (germline): Uncertain significance (1 of 4 stars; one submission).

Submission:

GeneDx
Classification: Uncertain significance. Last evaluated: 2021-06-04. Review status: criteria provided, single submitter. Criteria: GeneDx Variant Classification Process June 2021. Collection method: clinical testing. Allele origin: germline. Affected: yes.
Comment: Not observed at significant frequency in large population cohorts (Lek et al., 2016); Nonsense variant predicted to result in protein truncation in a gene for which loss-of-function is not a known mechanism of disease; Has not been previously published as pathogenic or benign to our knowledge; This variant is associated with the following publications: (PMID: 27535533)